The following is an entry in ClinVar:

ClinVar aggregate classification (germline): Pathogenic (1 of 4 stars; one submission).

Conditions:
Hereditary spastic paraplegia 11. Also called: SPASTIC PARAPLEGIA, AUTOSOMAL RECESSIVE, COMPLICATED, WITH THIN CORPUS CALLOSUM; SPASTIC PARAPLEGIA, AUTOSOMAL RECESSIVE, WITH MENTAL IMPAIRMENT AND THIN CORPUS CALLOSUM; Spastic paraplegia, mental retardation and thin corpus callosum; Nakamura Osame syndrome; Autosomal recessive hereditary spastic paraplegia, mental impairment, and thin corpus callosum; Spastic Paraplegia 11. Identifiers: Orphanet 2822, MedGen C1858479, MONDO:0011445, OMIM 604360.

Submission:

Labcorp Genetics (formerly Invitae), Labcorp
Classification: Pathogenic for Hereditary spastic paraplegia 11. Last evaluated: 2019-09-02. Review status: criteria provided, single submitter. Criteria: Invitae Variant Classification Sherloc (09022015). Collection method: clinical testing. Allele origin: germline.
Comment: For these reasons, this variant has been classified as Pathogenic. Loss-of-function variants in SPG11 are known to be pathogenic (PMID: 19105190, 20110243, 22154821, 26556829). This variant has not been reported in the literature in individuals with SPG11-related conditions. This variant is not present in population databases (ExAC no frequency). This sequence change creates a premature translational stop signal (p.Glu1567Serfs*2) in the SPG11 gene. It is expected to result in an absent or disrupted protein product.

Literature cited by the submitters: PubMed 19105190; PubMed 20110243; PubMed 22154821; PubMed 26556829.

NM_025137.4(SPG11):c.4699_4700del (p.Glu1567fs)

Gene: SPG11 (SPG11 vesicle trafficking associated, spatacsin; minus strand). Cytogenetic location: 15q21.1.
Variant type: Deletion.
Coding change: c.4699_4700del on transcript NM_025137.4 (MANE Select); coding-DNA positions 4699 to 4700, 2 bases deleted (GA; older notation c.4699_4700delGA).
Protein change: p.Glu1567fs; shifts the reading frame from glutamic acid 1567.
Molecular consequence: frameshift variant.
Genome position (GRCh38, 1-based): chr15:44,592,374-44,592,375, TC deleted on the plus strand (GA on the coding strand, the reverse complement: SPG11 is on the minus strand); deleting any 2 consecutive bases within chr15:44,592,374-44,592,376 gives the same sequence; the c. name uses the placement nearest the transcript's 3' end. VCF-style (leftmost placement, unchanged base first): chr15-44592373-TTC-T. GRCh37 (hg19) VCF-style: chr15-44884571-TTC-T.
Other names: c.4699_4700del, p.Glu1567fs (NM_001160227.2); short protein forms E1567fs.
Identifiers: ClinVar variation 938745 (VCV000938745.7), dbSNP rs2082923260, ClinGen allele CA1139663875.